The following is an entry in ClinVar:

NM_032043.3(BRIP1):c.3124G>A (p.Glu1042Lys)

Gene: BRIP1 (BRCA1 interacting DNA helicase 1; minus strand). Cytogenetic location: 17q23.2.
Variant type: single nucleotide variant.
Coding change: c.3124G>A on transcript NM_032043.3 (MANE Select); coding-DNA position 3124, G replaced by A.
Protein change: p.Glu1042Lys; replaces glutamic acid 1042 with lysine.
Molecular consequence: missense variant.
Genome position (GRCh38, 1-based): chr17:61,683,922, C>T on the plus strand (G>A on the coding strand, the complement: BRIP1 is on the minus strand). VCF-style: chr17-61683922-C-T. GRCh37 (hg19) VCF-style: chr17-59761283-C-T.
Other names: short protein forms E1042K.
Identifiers: ClinVar variation 2950379 (VCV002950379.4), dbSNP rs776002434, ClinGen allele CA8690393.

ClinVar aggregate classification (germline): Uncertain significance. Review status: criteria provided, multiple submitters, no conflicts (2 of 4 stars). 2 submissions from 2 submitters: Uncertain significance (2). Last evaluated 2024-11-01.

Conditions:
Hereditary cancer-predisposing syndrome. Also called: Hereditary neoplastic syndrome; Neoplastic Syndromes, Hereditary; Tumor predisposition; Hereditary Cancer Syndrome. Identifiers: Orphanet 140162, MedGen C0027672, MeSH D009386, MONDO:0015356.
Fanconi anemia complementation group J. Also called: BRIP1-Related Fanconi Anemia. Identifiers: Orphanet 84, MedGen C1836860, MONDO:0012187, OMIM 609054.
Familial cancer of breast. Also called: BREAST CANCER, FAMILIAL; Hereditary breast cancer; hereditary breast carcinoma. Identifiers: Orphanet 227535, MedGen C0346153, MONDO:0016419, OMIM 114480. Disease mechanism: loss of function.

Allele frequency attached by ClinVar (database versions not stated): gnomAD exomes below 0.00001; ExAC 0.00001.
gnomAD v4.1: 1 of 1,614,150 alleles (0.000062%); highest among the groups gnomAD compares: South Asian, 0.0011%; no homozygotes.

Submissions (2):

Ambry Genetics
Classification: Uncertain significance for Hereditary cancer-predisposing syndrome. Last evaluated: 2024-11-01. Review status: criteria provided, single submitter. Criteria: Ambry Variant Classification Scheme 2023. Collection method: clinical testing. Allele origin: germline.
Comment: The p.E1042K variant (also known as c.3124G>A), located in coding exon 19 of the BRIP1 gene, results from a G to A substitution at nucleotide position 3124. The glutamic acid at codon 1042 is replaced by lysine, an amino acid with similar properties. This amino acid position is conserved. In addition, this alteration is predicted to be tolerated by in silico analysis. Based on the available evidence, the clinical significance of this variant remains unclear.

Labcorp Genetics (formerly Invitae), Labcorp
Classification: Uncertain significance for Familial cancer of breast; Fanconi anemia complementation group J. Last evaluated: 2023-07-28. Review status: criteria provided, single submitter. Criteria: Invitae Variant Classification Sherloc (09022015). Collection method: clinical testing. Allele origin: germline.
Comment: This variant has not been reported in the literature in individuals affected with BRIP1-related conditions. This variant is present in population databases (rs776002434, gnomAD 0.003%). This sequence change replaces glutamic acid, which is acidic and polar, with lysine, which is basic and polar, at codon 1042 of the BRIP1 protein (p.Glu1042Lys). Algorithms developed to predict the effect of missense changes on protein structure and function output the following: SIFT: "Not Available"; PolyPhen-2: "Benign"; Align-GVGD: "Not Available". The lysine amino acid residue is found in multiple mammalian species, which suggests that this missense change does not adversely affect protein function. In summary, the available evidence is currently insufficient to determine the role of this variant in disease. Therefore, it has been classified as a Variant of Uncertain Significance.